The following is an entry in ClinVar:

ClinVar aggregate classification (germline): Uncertain significance (1 of 4 stars; one submission).

Conditions:
Weaver syndrome (WVS). Also called: Weaver Smith syndrome; Overgrowth syndrome with accelerated skeletal maturation, unusual facies, and camptodactyly. Identifiers: Orphanet 3447, MedGen C0265210, MONDO:0010193, OMIM 277590.

Submission:

Labcorp Genetics (formerly Invitae), Labcorp
Classification: Uncertain significance for Weaver syndrome. Last evaluated: 2018-08-03. Review status: criteria provided, single submitter. Criteria: Invitae Variant Classification Sherloc (09022015). Collection method: clinical testing. Allele origin: germline.
Comment: This variant is not present in population databases (ExAC no frequency). This variant has not been reported in the literature in individuals with EZH2-related disease. The current clinical and genetic evidence is not sufficient to establish whether loss-of-function variants in EZH2 cause disease. In summary, the available evidence is currently insufficient to determine the role of this variant in disease. Therefore, it has been classified as a Variant of Uncertain Significance. This sequence change affects an acceptor splice site in the last intron (intron 19) of the EZH2 gene. While this is not anticipated to result in nonsense mediated decay, it likely alters RNA splicing and results in a disrupted protein product.

NM_004456.5(EZH2):c.2196-2A>G

Gene: EZH2 (enhancer of zeste 2 polycomb repressive complex 2 subunit; minus strand). Cytogenetic location: 7q36.1.
Variant type: single nucleotide variant.
Coding change: c.2196-2A>G on transcript NM_004456.5 (MANE Select); the canonical splice acceptor site of the intron before coding-DNA position 2196, A replaced by G.
Molecular consequence: splice acceptor variant.
Genome position (GRCh38, 1-based): chr7:148,807,708, T>C on the plus strand (A>G on the coding strand, the complement: EZH2 is on the minus strand). VCF-style: chr7-148807708-T-C. GRCh37 (hg19) VCF-style: chr7-148504800-T-C.
Other names: c.2154-2A>G (NM_001203248.2); c.2064-2A>G (NM_152998.3); c.2181-2A>G (NM_001203247.2); c.2028-2A>G (NM_001203249.2).
Identifiers: ClinVar variation 655635 (VCV000655635.9), dbSNP rs1584844649, ClinGen allele CA369711870.